The following is an entry in ClinVar:

NM_000784.4(CYP27A1):c.1421G>C (p.Arg474Pro)

Gene: CYP27A1 (cytochrome P450 family 27 subfamily A member 1; plus strand). Cytogenetic location: 2q35.
Variant type: single nucleotide variant.
Coding change: c.1421G>C on transcript NM_000784.4 (MANE Select); coding-DNA position 1421, G replaced by C.
Protein change: p.Arg474Pro; replaces arginine 474 with proline.
Molecular consequence: missense variant.
Genome position (GRCh38, 1-based): chr2:218,814,702, G>C. VCF-style: chr2-218814702-G-C. GRCh37 (hg19) VCF-style: chr2-219679425-G-C.
Other names: short protein forms R474P.
Identifiers: ClinVar variation 2034261 (VCV002034261.4), dbSNP rs121908097, ClinGen allele CA350595116.
Genomic context (GRCh38, chr2:218,814,702, plus strand): 5'-AGCCTGCTACCCCCAGGATCCAGCACCCATTTGGCTCTGTGCCCTTTGGCTATGGGGTCC[G>C]GGCCTGCCTGGGCCGCAGGATTGCAGAGCTGGAGATGCAGCTACTCCTCGCAAGGGTGAG-3'
Protein context (NP_000775.1, residues 464-484): FGSVPFGYGV[Arg474Pro]ACLGRRIAEL

ClinVar aggregate classification (germline): Likely pathogenic (1 of 4 stars; one submission).

Conditions:
Cholestanol storage disease (CTX). Also called: Cerebrotendinous Xanthomatosis; CTX: Cerebrotendinous xanthomatosis; CEREBRAL CHOLESTERINOSIS. Identifiers: Orphanet 909, MedGen C0238052, MONDO:0008948, OMIM 213700.

gnomAD v4.1: 1 of 1,614,156 alleles (0.000062%); highest among the groups gnomAD compares: East Asian, 0.0022%; no homozygotes.

Submission:

Labcorp Genetics (formerly Invitae), Labcorp
Classification: Likely pathogenic for Cholestanol storage disease. Last evaluated: 2025-04-11. Review status: criteria provided, single submitter. Criteria: Invitae Variant Classification Sherloc (09022015). Collection method: clinical testing. Allele origin: germline.
Comment: This sequence change replaces arginine, which is basic and polar, with proline, which is neutral and non-polar, at codon 474 of the CYP27A1 protein (p.Arg474Pro). This variant is not present in population databases (gnomAD no frequency). This variant has not been reported in the literature in individuals affected with CYP27A1-related conditions. ClinVar contains an entry for this variant (Variation ID: 2034261). Invitae Evidence Modeling of protein sequence and biophysical properties (such as structural, functional, and spatial information, amino acid conservation, physicochemical variation, residue mobility, and thermodynamic stability) indicates that this missense variant is expected to disrupt CYP27A1 protein function with a positive predictive value of 95%. This variant disrupts the p.Arg474 amino acid residue in CYP27A1. Other variant(s) that disrupt this residue have been determined to be pathogenic (PMID: 7915755, 17319284, 22336472, 28894950, 29434128). This suggests that this residue is clinically significant, and that variants that disrupt this residue are likely to be disease-causing. In summary, the currently available evidence indicates that the variant is pathogenic, but additional data are needed to prove that conclusively. Therefore, this variant has been classified as Likely Pathogenic.

Literature cited by the submitters: PubMed 7915755; PubMed 17319284; PubMed 22336472; PubMed 28894950; PubMed 29434128.